The following is an entry in ClinVar:

ClinVar aggregate classification (germline): Uncertain significance (1 of 4 stars; one submission).

Submission:

CeGaT Center for Human Genetics Tuebingen
Classification: Uncertain significance. Last evaluated: 2023-12-01. Review status: criteria provided, single submitter. Criteria: CeGaT Center For Human Genetics Tuebingen Variant Classification Criteria Version 2. Collection method: clinical testing. Allele origin: germline. Affected: yes. Observed: 1 variant allele.
Comment: FLG: PM2, BP4

NM_002016.2(FLG):c.5695C>A (p.Gln1899Lys)

Genes: CCDST (cervical cancer associated DHX9 suppressive transcript; plus strand), FLG (filaggrin; minus strand). Cytogenetic location: 1q21.3.
Variant type: single nucleotide variant.
Coding change: c.5695C>A on transcript NM_002016.2 (MANE Select); coding-DNA position 5695, C replaced by A.
Protein change: p.Gln1899Lys; replaces glutamine 1899 with lysine.
Molecular consequence: missense variant.
Genome position (GRCh38, 1-based): chr1:152,309,191, G>T on the plus strand (C>A on the coding strand, the complement: FLG is on the minus strand). VCF-style: chr1-152309191-G-T. GRCh37 (hg19) VCF-style: chr1-152281667-G-T.
Other names: short protein forms Q1899K.
Identifiers: ClinVar variation 2672353 (VCV002672353.23), dbSNP rs1197676469, ClinGen allele CA342061964.